The following is an entry in ClinVar:

ClinVar aggregate classification (germline): Conflicting classifications of pathogenicity. Review status: no assertion criteria provided (0 of 4 stars). 2 submissions from 2 submitters: Uncertain significance (1); Likely benign (1). Last evaluated 2023-12-21.

Conditions:
Cohen syndrome (COH1). Also called: Cutis verticis gyrata, retinitis pigmentosa, and sensorineural deafness; PEPPER SYNDROME. Identifiers: Orphanet 193, MedGen C0265223, MONDO:0008999, OMIM 216550.
VPS13B-related disorder. Also called: VPS13B-related condition.

Submissions (2):

PreventionGenetics, part of Exact Sciences
Classification: Likely benign for VPS13B-related condition. Last evaluated: 2023-12-21. Review status: no assertion criteria provided. Collection method: clinical testing. Allele origin: germline.
Comment: This variant is classified as likely benign based on ACMG/AMP sequence variant interpretation guidelines (Richards et al. 2015 PMID: 25741868, with internal and published modifications).

Counsyl
Classification: Uncertain significance for Cohen syndrome. Last evaluated: 2017-11-02. Review status: no assertion criteria provided. Collection method: clinical testing. Allele origin: unknown.

NM_152564.5(VPS13B):c.8793-7_8793-6delinsT

Gene: VPS13B (vacuolar protein sorting 13 homolog B; plus strand). Cytogenetic location: 8q22.2.
Variant type: Indel.
Coding change: c.8793-7_8793-6delinsT on transcript NM_152564.5 (MANE Select); 7 bases into the intron before coding-DNA position 8793 through 6 bases into the intron before coding-DNA position 8793, GG replaced by T.
Molecular consequence: intron variant.
Genome position (GRCh38, 1-based): chr8:99,819,914-99,819,915, GG replaced by T. VCF-style: chr8-99819914-GG-T. GRCh37 (hg19) VCF-style: chr8-100832142-GG-T.
Other names: c.8868-7_8868-6delinsT (NM_017890.5); c.8793-7_8793-6delinsT (NM_152564.4); c.8868-7_8868-6delGGinsT (NM_017890.4).
Identifiers: ClinVar variation 554740 (VCV000554740.4), dbSNP rs756641209, ClinGen allele CA658823165.
Genomic context (GRCh38, chr8:99,819,914, plus strand): 5'-AACATATTTCACAAATATTAAAGTTATCATATTTCATTGAGTCTCTTGGATGTGGTTTTT[GG>T]AACAGGAATGAACAGCTAAGTCAGTGGGATAGCCCAATGCGAGTGAAGCTGTCAATCTGG-3'